The following is an entry in ClinVar:

ClinVar aggregate classification (germline): Uncertain significance (1 of 4 stars; one submission).

gnomAD v4.1: 1 of 1,614,112 alleles (0.000062%); no homozygotes.

Submission:

GeneDx
Classification: Uncertain significance. Last evaluated: 2022-10-31. Review status: criteria provided, single submitter. Criteria: GeneDx Variant Classification Process June 2021. Collection method: clinical testing. Allele origin: germline. Affected: yes.
Comment: Not observed at significant frequency in large population cohorts (gnomAD); In silico analysis supports that this missense variant does not alter protein structure/function; In silico analysis is inconclusive as to whether the variant alters gene splicing. In the absence of RNA/functional studies, the actual effect of this sequence change is unknown.; Has not been previously published as pathogenic or benign to our knowledge

NM_015386.3(COG4):c.53A>G (p.Gln18Arg)

Gene: COG4 (component of oligomeric golgi complex 4; minus strand). Cytogenetic location: 16q22.1.
Variant type: single nucleotide variant.
Coding change: c.53A>G on transcript NM_015386.3 (MANE Select); coding-DNA position 53, A replaced by G.
Protein change: p.Gln18Arg; replaces glutamine 18 with arginine.
Molecular consequence: missense variant. On other transcripts: 5 prime UTR variant (1), non-coding transcript variant (1).
Genome position (GRCh38, 1-based): chr16:70,523,491, T>C on the plus strand (A>G on the coding strand, the complement: COG4 is on the minus strand). VCF-style: chr16-70523491-T-C. GRCh37 (hg19) VCF-style: chr16-70557394-T-C.
Other names: c.41A>G, p.Gln14Arg (NM_001195139.2); c.-547A>G (NM_001365426.1); short protein forms Q14R, Q18R.
Identifiers: ClinVar variation 2500474 (VCV002500474.1), dbSNP rs2050000641, ClinGen allele CA396581545.